The following is an entry in ClinVar:

NM_000088.4(COL1A1):c.2452-2A>G

Gene: COL1A1 (collagen type I alpha 1 chain; minus strand). Cytogenetic location: 17q21.33.
Variant type: single nucleotide variant.
Coding change: c.2452-2A>G on transcript NM_000088.4 (MANE Select); the canonical splice acceptor site of the intron before coding-DNA position 2452, A replaced by G.
Molecular consequence: splice acceptor variant.
Genome position (GRCh38, 1-based): chr17:50,190,110, T>C on the plus strand (A>G on the coding strand, the complement: COL1A1 is on the minus strand). VCF-style: chr17-50190110-T-C. GRCh37 (hg19) VCF-style: chr17-48267471-T-C.
Identifiers: ClinVar variation 2736621 (VCV002736621.3), dbSNP rs72651666, ClinGen allele CA291543314.
Genomic context (GRCh38, chr17:50,190,110, plus strand): 5'-TCGCCTTTAGCACCAGCATCACCAGGTTCGCCTTTAGCACCAGGTTGGCCGTCAGCACCC[T>C]GGGGGAGGAAGCAGGGCGGTGAATGGAGGGAAGGAGGCAGGAGTTTCCACTACCTGGGGG-3'

ClinVar aggregate classification (germline): Pathogenic (1 of 4 stars; one submission).

Conditions:
Osteogenesis imperfecta type I (OI1). Also called: Classic Non-deforming Osteogenesis Imperfecta with Blue Sclerae; Lobstein disease; OI, TYPE I; OSTEOGENESIS IMPERFECTA TARDA; OSTEOGENESIS IMPERFECTA WITH BLUE SCLERAE; Osteogenesis imperfecta type 1. Identifiers: Orphanet 216796, Orphanet 666, MedGen C0023931, MONDO:0008146, OMIM 166200. Disease mechanism: loss of function.

Submission:

Labcorp Genetics (formerly Invitae), Labcorp
Classification: Pathogenic for Osteogenesis imperfecta type I. Last evaluated: 2025-06-22. Review status: criteria provided, single submitter. Criteria: Invitae Variant Classification Sherloc (09022015). Collection method: clinical testing. Allele origin: germline.
Comment: This sequence change affects an acceptor splice site in intron 35 of the COL1A1 gene. It is expected to disrupt RNA splicing. Variants that disrupt the donor or acceptor splice site typically lead to a loss of protein function (PMID: 16199547), and loss-of-function variants in COL1A1 are known to be pathogenic (PMID: 7942841, 9295084, 9443882). This variant is not present in population databases (gnomAD no frequency). Disruption of this splice site has been observed in individual(s) with osteogenesis imperfecta (PMID: 16705691, 33470886). In at least one individual the variant was observed to be de novo. ClinVar contains an entry for this variant (Variation ID: 2736621). Algorithms developed to predict the effect of sequence changes on RNA splicing suggest that this variant may disrupt the consensus splice site. For these reasons, this variant has been classified as Pathogenic.

Literature cited by the submitters: PubMed 16199547; PubMed 7942841; PubMed 9295084; PubMed 9443882; PubMed 16705691; PubMed 33470886.